The following is an entry in ClinVar:

ClinVar aggregate classification (germline): Likely benign. Review status: criteria provided, multiple submitters, no conflicts (2 of 4 stars). 2 submissions from 2 submitters: Likely benign (2). Last evaluated 2025-03-24.

gnomAD v4.1: 1 of 1,551,172 alleles (0.000064%); highest among the groups gnomAD compares: Non-Finnish European, 0.000087%; no homozygotes.

Submissions (2):

Labcorp Genetics (formerly Invitae), Labcorp
Classification: Likely benign. Last evaluated: 2025-03-24. Review status: criteria provided, single submitter. Criteria: Invitae Variant Classification Sherloc (09022015). Collection method: clinical testing. Allele origin: germline.

CeGaT Center for Human Genetics Tuebingen
Classification: Likely benign. Last evaluated: 2022-05-01. Review status: criteria provided, single submitter. Criteria: CeGaT Center For Human Genetics Tuebingen Variant Classification Criteria Version 2. Collection method: clinical testing. Allele origin: germline. Affected: yes. Observed: 1 variant allele.
Comment: CPLANE1: PM2:Supporting, BP4, BP7

NM_001384732.1(CPLANE1):c.1302C>T (p.His434=)

Gene: CPLANE1 (ciliogenesis and planar polarity effector complex subunit 1; minus strand). Cytogenetic location: 5p13.2.
Variant type: single nucleotide variant.
Coding change: c.1302C>T on transcript NM_001384732.1 (MANE Select); coding-DNA position 1302, C replaced by T.
Protein change: p.His434=; no amino-acid change (histidine 434 retained).
Molecular consequence: synonymous variant.
Genome position (GRCh38, 1-based): chr5:37,227,637, G>A on the plus strand (C>T on the coding strand, the complement: CPLANE1 is on the minus strand). VCF-style: chr5-37227637-G-A. GRCh37 (hg19) VCF-style: chr5-37227739-G-A.
Other names: c.1302C>T, p.His434= (NM_023073.4).
Identifiers: ClinVar variation 2655433 (VCV002655433.25), dbSNP rs2548604384, ClinGen allele CA444098296.